The following is an entry in ClinVar:

NM_002386.4(MC1R):c.506G>A (p.Trp169Ter)

Gene: MC1R (melanocortin 1 receptor; plus strand). Cytogenetic location: 16q24.3.
Variant type: single nucleotide variant.
Coding change: c.506G>A on transcript NM_002386.4 (MANE Select); coding-DNA position 506, G replaced by A.
Protein change: p.Trp169Ter; replaces tryptophan 169 with a stop codon.
Molecular consequence: nonsense.
Genome position (GRCh38, 1-based): chr16:89,919,764, G>A. VCF-style: chr16-89919764-G-A. GRCh37 (hg19) VCF-style: chr16-89986172-G-A.
Other names: short protein forms W169*.
Identifiers: ClinVar variation 2761098 (VCV002761098.4), dbSNP rs2544609736, ClinGen allele CA397461607.
Genomic context (GRCh38, chr16:89,919,764, plus strand): 5'-CACTGCGCTACCACAGCATCGTGACCCTGCCGCGGGCGCGGCGAGCCGTTGCGGCCATCT[G>A]GGTGGCCAGTGTCGTCTTCAGCACGCTCTTCATCGCCTACTACGACCACGTGGCCGTCCT-3'

ClinVar aggregate classification (germline): Uncertain significance. Review status: criteria provided, multiple submitters, no conflicts (2 of 4 stars). 2 submissions from 2 submitters: Uncertain significance (2). Last evaluated 2024-02-12.

Conditions:
Melanoma, cutaneous malignant, susceptibility to, 5. Also called: Cutaneous malignant melanoma 5. Identifiers: Orphanet 618, MedGen C2751295, MONDO:0013133, OMIM 613099.
Tyrosinase-positive oculocutaneous albinism (OCA2). Also called: ALBINISM II; Oculocutaneous albinism type 2; Albinism, oculocutaneous, type II. Identifiers: Orphanet 79432, MedGen C0268495, MONDO:0008746, OMIM 203200.
SKIN/HAIR/EYE PIGMENTATION, VARIATION IN, 2 (SHEP2). Also called: BLOND HAIR/FAIR SKIN; HAIR COLOR 2; RED HAIR COLOR. Identifiers: MedGen C1849452, OMIM 266300.
Increased analgesia from kappa-opioid receptor agonist, female-specific. Identifiers: MedGen C2751296, OMIM 613098.

Allele frequency attached by ClinVar (database versions not stated): gnomAD exomes below 0.00001.

Submissions (2):

Fulgent Genetics
Classification: Uncertain significance for Tyrosinase-positive oculocutaneous albinism; SKIN/HAIR/EYE PIGMENTATION, VARIATION IN, 2; Increased analgesia from kappa-opioid receptor agonist, female-specific; Melanoma, cutaneous malignant, susceptibility to, 5. Last evaluated: 2024-02-12. Review status: criteria provided, single submitter. Criteria: ACMG Guidelines, 2015. Collection method: clinical testing. Allele origin: germline.

Labcorp Genetics (formerly Invitae), Labcorp
Classification: Uncertain significance for Melanoma, cutaneous malignant, susceptibility to, 5. Last evaluated: 2022-11-08. Review status: criteria provided, single submitter. Criteria: Invitae Variant Classification Sherloc (09022015). Collection method: clinical testing. Allele origin: germline.
Comment: In summary, the available evidence is currently insufficient to determine the role of this variant in disease. Therefore, it has been classified as a Variant of Uncertain Significance. Experimental studies and prediction algorithms are not available or were not evaluated, and the functional significance of this variant is currently unknown. This variant has not been reported in the literature in individuals affected with MC1R-related conditions. This variant is not present in population databases (gnomAD no frequency). This sequence change creates a premature translational stop signal (p.Trp169*) in the MC1R gene. While this is not anticipated to result in nonsense mediated decay, it is expected to disrupt the last 149 amino acid(s) of the MC1R protein.